The following is an entry in ClinVar:

NM_000088.4(COL1A1):c.3141TCCTGGTGC[3] (p.Gly1055_Pro1056insAlaProGly)

Gene: COL1A1 (collagen type I alpha 1 chain; minus strand). Cytogenetic location: 17q21.33.
Variant type: Microsatellite.
Coding change: c.3141TCCTGGTGC[3] on transcript NM_000088.4 (MANE Select); three copies in a row of the 9-base unit TCCTGGTGC starting at c.3141; the reference has two copies in a row; one copy, 9 bases duplicated.
Protein change: p.Gly1055_Pro1056insAlaProGly.
Molecular consequence: inframe insertion.
Genome position (GRCh38, 1-based): chr17:50,188,579-50,188,587, GCACCAGGA duplicated on the plus strand (TCCTGGTGC on the coding strand, the reverse complement: COL1A1 is on the minus strand); duplicating any 9 consecutive bases within chr17:50,188,579-50,188,604 gives the same sequence; the position shown is the placement nearest the transcript's 3' end. VCF-style (leftmost placement, unchanged base first): chr17-50188578-G-GGCACCAGGA. GRCh37 (hg19) VCF-style: chr17-48265939-G-GGCACCAGGA.
Other names: c.3150_3158dupTCCTGGTGC (NM_000088.3).
Identifiers: ClinVar variation 372752 (VCV000372752.18), dbSNP rs74315111, ClinGen allele CA16042995.

ClinVar aggregate classification (germline): Pathogenic/Likely pathogenic. Review status: criteria provided, multiple submitters, no conflicts (2 of 4 stars). 5 submissions from 5 submitters: Pathogenic (2); Likely pathogenic (1). 2 of the submissions do not count toward it. Last evaluated 2024-05-16.

Conditions:
Osteogenesis imperfecta (OI). Identifiers: Orphanet 666, MedGen C0029434, MeSH D010013, MONDO:0019019.
COL1A1-related disorder. Also called: COL1A1-related condition; COL1A1- related disease.
Osteogenesis imperfecta, perinatal lethal (OI2). Also called: OSTEOGENESIS IMPERFECTA, TYPE II; Osteogenesis imperfecta type 2; OI, TYPE II; OSTEOGENESIS IMPERFECTA CONGENITA; VROLIK TYPE OF OSTEOGENESIS IMPERFECTA; Osteogenesis imperfecta, dominant perinatal lethal. Identifiers: Orphanet 216804, MedGen C0268358, MONDO:0008147, OMIM 166210.
Osteogenesis imperfecta type I (OI1). Also called: Lobstein disease; Classic Non-deforming Osteogenesis Imperfecta with Blue Sclerae; OI, TYPE I; OSTEOGENESIS IMPERFECTA TARDA; OSTEOGENESIS IMPERFECTA WITH BLUE SCLERAE; Osteogenesis imperfecta type 1. Identifiers: Orphanet 216796, Orphanet 666, MedGen C0023931, MONDO:0008146, OMIM 166200. Disease mechanism: loss of function.

Submissions (5):

GeneDx
Classification: Pathogenic. Last evaluated: 2024-05-16. Review status: criteria provided, single submitter. Criteria: GeneDx Variant Classification Process June 2021. Collection method: clinical testing. Allele origin: germline. Affected: yes.
Comment: In-frame insertion of 3 amino acids within the triple-helical region and is predicted to add one canonical Gly-X-Y repeat unit to critically alter the protein. Variants affecting these repeats disrupt normal protein folding and function, and this is an established mechanism of disease; Not observed at significant frequency in large population cohorts (gnomAD); This variant is associated with the following publications: (PMID: 36797717, 12538651, 21239989, 18996919, 38003005, 11668615)

Labcorp Genetics (formerly Invitae), Labcorp
Classification: Pathogenic for Osteogenesis imperfecta type I. Last evaluated: 2023-08-17. Review status: criteria provided, single submitter. Criteria: Invitae Variant Classification Sherloc (09022015). Collection method: clinical testing. Allele origin: germline.
Comment: For these reasons, this variant has been classified as Pathogenic. ClinVar contains an entry for this variant (Variation ID: 372752). This variant is also known as 3145_3153dupGGTGCTCCT (GAO871_873dup). This variant has been observed in individual(s) with clinical features of osteogenesis imperfecta (PMID: 11668615, 12538651; Invitae). This variant is not present in population databases (gnomAD no frequency). This variant, c.3150_3158dup, results in the insertion of 3 amino acid(s) of the COL1A1 protein (p.Ala1053_Gly1055dup), but otherwise preserves the integrity of the reading frame.

Genome Diagnostics Laboratory, The Hospital for Sick Children
Classification: Likely pathogenic for Osteogenesis imperfecta. Last evaluated: 2019-08-07. Review status: criteria provided, single submitter. Criteria: ACMG Guidelines, 2015. Collection method: clinical testing. Allele origin: germline.

PreventionGenetics, part of Exact Sciences
Classification: Pathogenic for COL1A1-related condition. Last evaluated: 2024-03-01. Review status: no assertion criteria provided. Collection method: clinical testing. Allele origin: germline. Not counted in ClinVar's aggregate classification.
Comment: The COL1A1 c.3150_3158dup9 variant is predicted to result in an in-frame duplication (p.Ala1053_Gly1055dup). This variant has been reported to be causative for osteogenesis imperfecta (OI) due to disrupted helix formation (reported as c.3150_3158dup, p.Pro1051_Ala1053dup at Pyott et al. 2011. PubMed ID: 21239989; reported as 3145_3153dupGGTGCTCCT at Pace et al. 2001. PubMed ID: 11668615). This variant has not been reported in a large population database, indicating this variant is rare. This variant is interpreted as pathogenic.

OMIM
Classification: Pathogenic for OSTEOGENESIS IMPERFECTA, TYPE II. Last evaluated: 2003-03-21. Review status: no assertion criteria provided. Collection method: literature only. Allele origin: germline. Not counted in ClinVar's aggregate classification.

Literature cited by the submitters: PubMed 11668615 (cited by Labcorp Genetics (formerly Invitae), Labcorp); PubMed 12538651 (cited by Labcorp Genetics (formerly Invitae), Labcorp and OMIM).